The following is an entry in ClinVar:

NM_005515.4(MNX1):c.224C>G (p.Ala75Gly)

Gene: MNX1 (motor neuron and pancreas homeobox 1; minus strand). Cytogenetic location: 7q36.3.
Variant type: single nucleotide variant.
Coding change: c.224C>G on transcript NM_005515.4 (MANE Select); coding-DNA position 224, C replaced by G.
Protein change: p.Ala75Gly; replaces alanine 75 with glycine.
Molecular consequence: missense variant.
Genome position (GRCh38, 1-based): chr7:157,010,127, G>C on the plus strand (C>G on the coding strand, the complement: MNX1 is on the minus strand). VCF-style: chr7-157010127-G-C. GRCh37 (hg19) VCF-style: chr7-156802821-G-C.
Other names: short protein forms A75G.
Identifiers: ClinVar variation 4811081 (VCV004811081.1).

ClinVar aggregate classification (germline): Uncertain significance (1 of 4 stars; one submission).

gnomAD v4.1: 2 of 1,013,554 alleles (0.0002%); highest among the groups gnomAD compares: South Asian, 0.009%; no homozygotes.

Submission:

Labcorp Genetics (formerly Invitae), Labcorp
Classification: Uncertain significance. Last evaluated: 2025-03-22. Review status: criteria provided, single submitter. Criteria: Invitae Variant Classification Sherloc (09022015). Collection method: clinical testing. Allele origin: germline.
Comment: This sequence change replaces alanine, which is neutral and non-polar, with glycine, which is neutral and non-polar, at codon 75 of the MNX1 protein (p.Ala75Gly). The frequency data for this variant in the population databases is considered unreliable, as metrics indicate insufficient coverage at this position in the gnomAD database. This variant has not been reported in the literature in individuals affected with MNX1-related conditions. Invitae Evidence Modeling of protein sequence and biophysical properties (such as structural, functional, and spatial information, amino acid conservation, physicochemical variation, residue mobility, and thermodynamic stability) indicates that this missense variant is not expected to disrupt MNX1 protein function with a negative predictive value of 80%. In summary, the available evidence is currently insufficient to determine the role of this variant in disease. Therefore, it has been classified as a Variant of Uncertain Significance.